The following is an entry in ClinVar:

ClinVar aggregate classification (germline): Uncertain significance. Review status: criteria provided, multiple submitters, no conflicts (2 of 4 stars). 3 submissions from 3 submitters: Uncertain significance (3). Last evaluated 2025-08-10.

Conditions:
COL11A1-related disorder. Also called: COL11A1-related condition; COL11A1-related disorders.

Allele frequency attached by ClinVar (database versions not stated): gnomAD 0.00001; gnomAD exomes 0.00001; TOPMed 0.00001.
gnomAD v4.1: 4 of 1,612,856 alleles (0.00025%); highest among the groups gnomAD compares: Non-Finnish European, 0.00017%; no homozygotes.

Submissions (3):

PreventionGenetics, part of Exact Sciences
Classification: Uncertain significance for COL11A1-related condition. Last evaluated: 2025-08-10. Review status: criteria provided, single submitter. Criteria: ACMG Guidelines, 2015. Collection method: clinical testing. Allele origin: germline.
Comment: The COL11A1 c.1628T>C variant is predicted to result in the amino acid substitution p.Val543Ala. To our knowledge, this variant has not been reported in the literature. This variant is reported in 0.0065% of alleles in individuals of European (Non-Finnish) descent in gnomAD. At this time, the clinical significance of this variant is uncertain due to the absence of conclusive functional and genetic evidence.

Labcorp Genetics (formerly Invitae), Labcorp
Classification: Uncertain significance. Last evaluated: 2022-05-25. Review status: criteria provided, single submitter. Criteria: Invitae Variant Classification Sherloc (09022015). Collection method: clinical testing. Allele origin: germline.
Comment: In summary, the available evidence is currently insufficient to determine the role of this variant in disease. Therefore, it has been classified as a Variant of Uncertain Significance. Algorithms developed to predict the effect of missense changes on protein structure and function are either unavailable or do not agree on the potential impact of this missense change (SIFT: "Deleterious"; PolyPhen-2: "Not Available"; Align-GVGD: "Class C15"). This variant has not been reported in the literature in individuals affected with COL11A1-related conditions. This variant is present in population databases (no rsID available, gnomAD 0.007%). This sequence change replaces valine, which is neutral and non-polar, with alanine, which is neutral and non-polar, at codon 543 of the COL11A1 protein (p.Val543Ala).

Blueprint Genetics
Classification: Uncertain significance. Last evaluated: 2021-02-03. Review status: criteria provided, single submitter. Criteria: ACMG Guidelines, 2015. Collection method: clinical testing. Allele origin: germline.

NM_001854.4(COL11A1):c.1628T>C (p.Val543Ala)

Gene: COL11A1 (collagen type XI alpha 1 chain; minus strand). Cytogenetic location: 1p21.1.
Variant type: single nucleotide variant.
Coding change: c.1628T>C on transcript NM_001854.4 (MANE Select); coding-DNA position 1628, T replaced by C.
Protein change: p.Val543Ala; replaces valine 543 with alanine.
Molecular consequence: missense variant. On other transcripts: non-coding transcript variant (1).
Genome position (GRCh38, 1-based): chr1:103,012,414, A>G on the plus strand (T>C on the coding strand, the complement: COL11A1 is on the minus strand). VCF-style: chr1-103012414-A-G. GRCh37 (hg19) VCF-style: chr1-103477970-A-G.
Other names: c.1628T>C (NM_001854.3); c.1280T>C, p.Val427Ala (NM_001168249.1, NM_080630.4); c.1511T>C, p.Val504Ala (NM_001190709.2); c.1664T>C, p.Val555Ala (NM_080629.3); short protein forms V504A, V427A, V555A, V543A.
Identifiers: ClinVar variation 2192124 (VCV002192124.6), dbSNP rs1323730385, ClinGen allele CA341177118.